The following is an entry in ClinVar:

ClinVar aggregate classification (germline): Uncertain significance (1 of 4 stars; one submission).

Submission:

Labcorp Genetics (formerly Invitae), Labcorp
Classification: Uncertain significance. Last evaluated: 2025-02-27. Review status: criteria provided, single submitter. Criteria: Invitae Variant Classification Sherloc (09022015). Collection method: clinical testing. Allele origin: germline.
Comment: This sequence change replaces lysine, which is basic and polar, with arginine, which is basic and polar, at codon 521 of the STAT4 protein (p.Lys521Arg). This variant is not present in population databases (gnomAD no frequency). This variant has not been reported in the literature in individuals affected with STAT4-related conditions. Invitae Evidence Modeling of protein sequence and biophysical properties (such as structural, functional, and spatial information, amino acid conservation, physicochemical variation, residue mobility, and thermodynamic stability) indicates that this missense variant is not expected to disrupt STAT4 protein function with a negative predictive value of 80%. In summary, the available evidence is currently insufficient to determine the role of this variant in disease. Therefore, it has been classified as a Variant of Uncertain Significance.

NM_003151.4(STAT4):c.1562A>G (p.Lys521Arg)

Gene: STAT4 (signal transducer and activator of transcription 4; minus strand). Cytogenetic location: 2q32.2.
Variant type: single nucleotide variant.
Coding change: c.1562A>G on transcript NM_003151.4 (MANE Select); coding-DNA position 1562, A replaced by G.
Protein change: p.Lys521Arg; replaces lysine 521 with arginine.
Molecular consequence: missense variant.
Genome position (GRCh38, 1-based): chr2:191,036,172, T>C on the plus strand (A>G on the coding strand, the complement: STAT4 is on the minus strand). VCF-style: chr2-191036172-T-C. GRCh37 (hg19) VCF-style: chr2-191900898-T-C.
Other names: c.1562A>G, p.Lys521Arg (NM_001243835.2); short protein forms K521R.
Identifiers: ClinVar variation 4741469 (VCV004741469.1).
Genomic context (GRCh38, chr2:191,036,172, plus strand): 5'-ATGCCTGAGGGCCAAAAACAGAGGCAAATCCTCTCTATCTACCAGCTCTCACCTGTAAGC[T>C]TCTCTGCCAGCATATGGAGTTGATCTGAGTTAAGACCACGACCAACGTACGATGAAAACT-3'
Protein context (NP_003142.1, residues 511-531): NSDQLHMLAE[Lys521Arg]LTVQSSYSDG